The following is an entry in ClinVar:

NM_001370658.1(BTD):c.896C>T (p.Ser299Phe)

Gene: BTD (biotinidase; plus strand). Cytogenetic location: 3p25.1.
Variant type: single nucleotide variant.
Coding change: c.896C>T on transcript NM_001370658.1 (MANE Select); coding-DNA position 896, C replaced by T.
Protein change: p.Ser299Phe; replaces serine 299 with phenylalanine.
Molecular consequence: missense variant. On other transcripts: intron variant (6).
Genome position (GRCh38, 1-based): chr3:15,644,812, C>T. VCF-style: chr3-15644812-C-T. GRCh37 (hg19) VCF-style: chr3-15686319-C-T.
Other names: c.956C>T (NM_000060.2); c.896C>T, p.Ser299Phe (NM_001407365.1, NM_001407366.1, NM_001407367.1 and 18 more transcripts); c.399+2755C>T (NM_001370753.1, NM_001407400.1, NM_001407380.1 and 3 more transcripts); short protein forms S299F.
Identifiers: ClinVar variation 2499909 (VCV002499909.1), dbSNP rs2471515438, ClinGen allele CA351607571.

ClinVar aggregate classification (germline): Likely pathogenic (1 of 4 stars; one submission).

Allele frequency attached by ClinVar (database versions not stated): gnomAD exomes below 0.00001.
gnomAD v4.1: 2 of 1,614,214 alleles (0.00012%); highest among the groups gnomAD compares: South Asian, 0.0011%; no homozygotes.

Submission:

GeneDx
Classification: Likely pathogenic. Last evaluated: 2022-10-19. Review status: criteria provided, single submitter. Criteria: GeneDx Variant Classification Process June 2021. Collection method: clinical testing. Allele origin: germline. Affected: yes.
Comment: Not observed at significant frequency in large population cohorts (gnomAD); In silico analysis supports that this missense variant has a deleterious effect on protein structure/function; Also known as p.S319F; This variant is associated with the following publications: (PMID: 29995633, 29353266)